The following is an entry in ClinVar:

ClinVar aggregate classification (germline): Conflicting classifications of pathogenicity. Review status: criteria provided, conflicting classifications (1 of 4 stars). 6 submissions from 6 submitters: Uncertain significance (1); Benign (1); Likely benign (4). Last evaluated 2026-02-04.

Conditions:
Hermansky-Pudlak syndrome 5 (HPS5). Identifiers: Orphanet 231512, Orphanet 79430, MedGen C3888004, MONDO:0013557, OMIM 614074.
HPS5-related disorder. Also called: HPS5-related condition.

Allele frequency attached by ClinVar (database versions not stated): ESP Exome Variant Server 0.00008; gnomAD 0.00019 and 0.00030; gnomAD exomes 0.00020 and 0.00055; TOPMed 0.00040; ExAC 0.00055; 1000 Genomes Project 30x 0.00156; 1000 Genomes Project 0.00160.
gnomAD v4.1: 332 of 1,613,692 alleles (0.021%); highest among the groups gnomAD compares: East Asian, 0.46%; no homozygotes.

Submissions (6):

Labcorp Genetics (formerly Invitae), Labcorp
Classification: Benign. Last evaluated: 2026-02-04. Review status: criteria provided, single submitter. Criteria: Invitae Variant Classification Sherloc (09022015). Collection method: clinical testing. Allele origin: germline.

Women's Health and Genetics/Laboratory Corporation of America, LabCorp
Classification: Likely benign. Last evaluated: 2025-05-19. Review status: criteria provided, single submitter. Criteria: LabCorp Variant Classification Summary - May 2015. Collection method: clinical testing. Allele origin: germline.
Comment: Variant summary: HPS5 c.1900G>A (p.Glu634Lys) results in a conservative amino acid change in the encoded protein sequence. Algorithms developed to predict the effect of missense changes on protein structure and function all suggest that this variant is likely to be tolerated. The variant allele was found at a frequency of 0.00055 in 249274 control chromosomes, predominantly at a frequency of 0.006 within the East Asian subpopulation in the gnomAD database. The observed variant frequency within East Asian control individuals in the gnomAD database is approximately 13 fold of the estimated maximal expected allele frequency for a pathogenic variant in HPS5 causing Hermansky-Pudlak Syndrome phenotype (0.00047). To our knowledge, no occurrence of c.1900G>A in individuals affected with Hermansky-Pudlak Syndrome and no experimental evidence demonstrating its impact on protein function have been reported. ClinVar contains an entry for this variant (Variation ID: 303882). Based on the evidence outlined above, the variant was classified as likely benign.

PreventionGenetics, part of Exact Sciences
Classification: Likely benign for HPS5-related condition. Last evaluated: 2025-03-17. Review status: criteria provided, single submitter. Criteria: ACMG Guidelines, 2015. Collection method: clinical testing. Allele origin: germline.
Comment: This variant is classified as likely benign based on ACMG/AMP sequence variant interpretation guidelines (Richards et al. 2015 PMID: 25741868, with internal and published modifications).

Blueprint Genetics
Classification: Likely benign. Last evaluated: 2024-11-18. Review status: criteria provided, single submitter. Criteria: ACMG Guidelines, 2015. Collection method: clinical testing. Allele origin: germline.

Illumina Laboratory Services, Illumina
Classification: Likely benign for Hermansky-Pudlak syndrome 5. Last evaluated: 2018-01-12. Review status: criteria provided, single submitter. Criteria: ICSL Variant Classification Criteria 13 December 2019. Collection method: clinical testing. Allele origin: germline.
Comment: This variant was observed in the ICSL laboratory as part of a predisposition screen in an ostensibly healthy population. It had not been previously curated by ICSL or reported in the Human Gene Mutation Database (HGMD: prior to June 1st, 2018), and was therefore a candidate for classification through an automated scoring system. Utilizing variant allele frequency, disease prevalence and penetrance estimates, and inheritance mode, an automated score was calculated to assess if this variant is too frequent to cause the disease. Based on the score and internal cut-off values, a variant classified as likely benign is not then subjected to further curation. The score for this variant resulted in a classification of likely benign for this disease.

Genetic Services Laboratory, University of Chicago
Classification: Uncertain significance. Last evaluated: 2017-11-10. Review status: criteria provided, single submitter. Criteria: ACMG Guidelines, 2015. Collection method: clinical testing. Allele origin: germline. Affected: no.

NM_181507.2(HPS5):c.1900G>A (p.Glu634Lys)

Gene: HPS5 (HPS5 biogenesis of lysosomal organelles complex 2 subunit 2; minus strand). Cytogenetic location: 11p15.1.
Variant type: single nucleotide variant.
Coding change: c.1900G>A on transcript NM_181507.2 (MANE Select); coding-DNA position 1900, G replaced by A.
Protein change: p.Glu634Lys; replaces glutamic acid 634 with lysine.
Molecular consequence: missense variant.
Genome position (GRCh38, 1-based): chr11:18,291,982, C>T on the plus strand (G>A on the coding strand, the complement: HPS5 is on the minus strand). VCF-style: chr11-18291982-C-T. GRCh37 (hg19) VCF-style: chr11-18313529-C-T.
Other names: c.1558G>A, p.Glu520Lys (NM_007216.4, NM_181508.2); short protein forms E634K, E520K.
Identifiers: ClinVar variation 303882 (VCV000303882.17), dbSNP rs143204089, ClinGen allele CA5909954.
Genomic context (GRCh38, chr11:18,291,982, plus strand): 5'-TCATGGCAAATGTTTTTTCTAAATGTGAAAGCCACTCCTGTAAAACCATTCTCAGAGACT[C>T]GGATTCAAATAAAACCAGAGGGTCCTGTAGCTTGGTCCTATACAAGACAGACAAGTATGA-3'
Protein context (NP_852608.1, residues 624-644): LQDPLVLFES[Glu634Lys]SLRMVLQEWL